The following is an entry in ClinVar:

ClinVar aggregate classification (germline): Uncertain significance. Review status: criteria provided, multiple submitters, no conflicts (2 of 4 stars). 3 submissions from 3 submitters: Uncertain significance (3). Last evaluated 2025-03-05.

Conditions:
Muscular dystrophy-dystroglycanopathy type B6 (MDDGB6). Also called: MUSCULAR DYSTROPHY-DYSTROGLYCANOPATHY (CONGENITAL WITH IMPAIRED INTELLECTUAL DEVELOPMENT), TYPE B, 6; MUSCULAR DYSTROPHY, CONGENITAL, LARGE-RELATED; MUSCULAR DYSTROPHY, CONGENITAL, TYPE 1D. Identifiers: MedGen C1837229, MONDO:0012138, OMIM 608840.

Allele frequency attached by ClinVar (database versions not stated): gnomAD 0.00004 and 0.00005; ExAC 0.00006; gnomAD exomes 0.00006 and 0.00009; ESP Exome Variant Server 0.00008; TOPMed 0.00008.
gnomAD v4.1: 97 of 1,613,904 alleles (0.006%); highest among the groups gnomAD compares: Admixed American, 0.03%; 1 homozygote.

Submissions (3):

Revvity Omics, Revvity
Classification: Uncertain significance. Last evaluated: 2025-03-05. Review status: criteria provided, single submitter. Criteria: ACMG Guidelines, 2015. Collection method: clinical testing. Allele origin: germline.

Labcorp Genetics (formerly Invitae), Labcorp
Classification: Uncertain significance for Muscular dystrophy-dystroglycanopathy type B6. Last evaluated: 2025-01-15. Review status: criteria provided, single submitter. Criteria: Invitae Variant Classification Sherloc (09022015). Collection method: clinical testing. Allele origin: germline.
Comment: This sequence change replaces arginine, which is basic and polar, with histidine, which is basic and polar, at codon 450 of the LARGE1 protein (p.Arg450His). This variant is present in population databases (rs371071263, gnomAD 0.04%), including at least one homozygous and/or hemizygous individual. This variant has not been reported in the literature in individuals affected with LARGE1-related conditions. ClinVar contains an entry for this variant (Variation ID: 194060). Invitae Evidence Modeling of protein sequence and biophysical properties (such as structural, functional, and spatial information, amino acid conservation, physicochemical variation, residue mobility, and thermodynamic stability) indicates that this missense variant is not expected to disrupt LARGE1 protein function with a negative predictive value of 80%. In summary, the available evidence is currently insufficient to determine the role of this variant in disease. Therefore, it has been classified as a Variant of Uncertain Significance.

Eurofins Ntd Llc (ga)
Classification: Uncertain significance. Last evaluated: 2015-02-06. Review status: criteria provided, single submitter. Criteria: EGL Classification Definitions 2015. Collection method: clinical testing. Allele origin: germline. Observed: 1 variant allele, 1 heterozygote.

NM_133642.5(LARGE1):c.1349G>A (p.Arg450His)

Gene: LARGE1 (LARGE xylosyl- and glucuronyltransferase 1; minus strand). Cytogenetic location: 22q12.3.
Variant type: single nucleotide variant.
Coding change: c.1349G>A on transcript NM_133642.5 (MANE Select); coding-DNA position 1349, G replaced by A.
Protein change: p.Arg450His; replaces arginine 450 with histidine.
Molecular consequence: missense variant.
Genome position (GRCh38, 1-based): chr22:33,316,187, C>T on the plus strand (G>A on the coding strand, the complement: LARGE1 is on the minus strand). VCF-style: chr22-33316187-C-T. GRCh37 (hg19) VCF-style: chr22-33712173-C-T.
Other names: c.1349G>A (NM_004737.6); c.1349G>A, p.Arg450His (NM_001362949.2, NM_001362951.2, NM_001362953.2 and 6 more transcripts); c.1193G>A, p.Arg398His (NM_001378629.1); c.746G>A, p.Arg249His (NM_001378630.1); c.590G>A, p.Arg197His (NM_001378631.1); short protein forms R450H, R197H, R249H, R398H.
Identifiers: ClinVar variation 194060 (VCV000194060.12), dbSNP rs371071263, ClinGen allele CA239858.